The following is an entry in ClinVar:

ClinVar aggregate classification (germline): Uncertain significance (1 of 4 stars; one submission).

Conditions:
Familial adenomatous polyposis 1 (FAP1). Also called: FAMILIAL ADENOMATOUS POLYPOSIS 1, ATTENUATED; POLYPOSIS, ADENOMATOUS INTESTINAL. Identifiers: MedGen C2713442, MONDO:0021056, OMIM 175100. Disease mechanism: loss of function.

Allele frequency attached by ClinVar (database versions not stated): TOPMed 0.00001.

Submission:

Labcorp Genetics (formerly Invitae), Labcorp
Classification: Uncertain significance for Familial adenomatous polyposis 1. Last evaluated: 2024-03-07. Review status: criteria provided, single submitter. Criteria: Invitae Variant Classification Sherloc (09022015). Collection method: clinical testing. Allele origin: germline.
Comment: This variant occurs in a non-coding region of the APC gene. It does not change the encoded amino acid sequence of the APC protein. This variant is not present in population databases (gnomAD no frequency). This variant has not been reported in the literature in individuals affected with APC-related conditions. ClinVar contains an entry for this variant (Variation ID: 537574). Experimental studies and prediction algorithms are not available or were not evaluated, and the functional significance of this variant is currently unknown. In summary, the available evidence is currently insufficient to determine the role of this variant in disease. Therefore, it has been classified as a Variant of Uncertain Significance.

NC_000005.10:g.112707341G>C

Gene: APC (APC regulator of Wnt signaling pathway; plus strand). Cytogenetic location: 5q22.2.
Variant type: single nucleotide variant.
Genome position: GRCh38 VCF-style: chr5-112707341-G-C. GRCh37 (hg19) VCF-style: chr5-112043038-G-C.
Identifiers: ClinVar variation 537574 (VCV000537574.10), dbSNP rs1554060097, ClinGen allele CA658796585.